The following is an entry in ClinVar:

ClinVar aggregate classification (germline): Uncertain significance (1 of 4 stars; one submission).

Submission:

Ambry Genetics
Classification: Uncertain significance. Last evaluated: 2024-09-23. Review status: criteria provided, single submitter. Criteria: Ambry Variant Classification Scheme 2023. Collection method: clinical testing. Allele origin: germline.
Comment: The p.P535R variant (also known as c.1604C>G), located in coding exon 12 of the RECQL gene, results from a C to G substitution at nucleotide position 1604. The proline at codon 535 is replaced by arginine, an amino acid with dissimilar properties. This amino acid position is conserved. In addition, the in silico prediction for this alteration is inconclusive. Since supporting evidence is limited at this time, the clinical significance of this alteration remains unclear.

NM_002907.4(RECQL):c.1604C>G (p.Pro535Arg)

Gene: RECQL (RecQ like helicase; minus strand). Cytogenetic location: 12p12.1.
Variant type: single nucleotide variant.
Coding change: c.1604C>G on transcript NM_002907.4 (MANE Select); coding-DNA position 1604, C replaced by G.
Protein change: p.Pro535Arg; replaces proline 535 with arginine.
Molecular consequence: missense variant.
Genome position (GRCh38, 1-based): chr12:21,471,491, G>C on the plus strand (C>G on the coding strand, the complement: RECQL is on the minus strand). VCF-style: chr12-21471491-G-C. GRCh37 (hg19) VCF-style: chr12-21624425-G-C.
Other names: c.1604C>G, p.Pro535Arg (NM_032941.3); short protein forms P535R.
Identifiers: ClinVar variation 1776236 (VCV001776236.3), dbSNP rs144775194, ClinGen allele CA384116059.